The following is an entry in ClinVar:

NM_001139.3(ALOX12B):c.583T>C (p.Phe195Leu)

Gene: ALOX12B (arachidonate 12-lipoxygenase, 12R type; minus strand). Cytogenetic location: 17p13.1.
Variant type: single nucleotide variant.
Coding change: c.583T>C on transcript NM_001139.3 (MANE Select); coding-DNA position 583, T replaced by C.
Protein change: p.Phe195Leu; replaces phenylalanine 195 with leucine.
Molecular consequence: missense variant.
Genome position (GRCh38, 1-based): chr17:8,080,725, A>G on the plus strand (T>C on the coding strand, the complement: ALOX12B is on the minus strand). VCF-style: chr17-8080725-A-G. GRCh37 (hg19) VCF-style: chr17-7984043-A-G.
Other names: short protein forms F195L.
Identifiers: ClinVar variation 1049690 (VCV001049690.2), dbSNP rs200516538, ClinGen allele CA8367609.
Genomic context (GRCh38, chr17:8,080,725, plus strand): 5'-CCAGGCGGACGAAGAAGGAGGCCGTCTTGAGGAAGGAGTAGCGGAGATTTAAGTTCAGGA[A>G]CTTGGTGGCCTTAAAGTTGATGAGAATTGGGAATCCCGGAATATAGCCATTCCACCTGTG-3'
Protein context (NP_001130.1, residues 185-205): PILINFKATK[Phe195Leu]LNLNLRYSFL

ClinVar aggregate classification (germline): Uncertain significance. Review status: criteria provided, single submitter (1 of 4 stars). 2 submissions from 2 submitters: Uncertain significance (1). 1 of the submissions does not count toward it. Last evaluated 2024-10-14.

Allele frequency attached by ClinVar (database versions not stated): ESP Exome Variant Server 0.00015; 1000 Genomes Project 30x 0.00016; ExAC 0.00018; gnomAD exomes 0.00019 and 0.00023; 1000 Genomes Project 0.00020; TOPMed 0.00028; gnomAD 0.00030 and 0.00032.

Submissions (2):

Women's Health and Genetics/Laboratory Corporation of America, LabCorp
Classification: Uncertain significance. Last evaluated: 2024-10-14. Review status: criteria provided, single submitter. Criteria: LabCorp Variant Classification Summary - May 2015. Collection method: clinical testing. Allele origin: germline.
Comment: Variant summary: ALOX12B c.583T>C (p.Phe195Leu) results in a non-conservative amino acid change located in the Lipoxygenase, C-terminal domain (IPR013819) of the encoded protein sequence. Four of five in-silico tools predict a benign effect of the variant on protein function. The variant allele was found at a frequency of 0.00023 in 251452 control chromosomes. This frequency is not significantly higher than estimated for a pathogenic variant in ALOX12B causing Lamellar Ichthyosis (0.00023 vs 0.0009), allowing no conclusion about variant significance. c.583T>C has been reported in the literature in at least one individual affected with Congenital Ichthyosis with an unknown second variant (Eckl_2009). These report(s) do not provide unequivocal conclusions about association of the variant with Lamellar Ichthyosis. To our knowledge, no experimental evidence demonstrating an impact on protein function has been reported. The following publication has been ascertained in the context of this evaluation (PMID: 19131948). ClinVar contains an entry for this variant (Variation ID: 1049690). Based on the evidence outlined above, the variant was classified as uncertain significance.

Department of Pathology and Laboratory Medicine, Sinai Health System
Classification: Likely benign. Review status: no assertion criteria provided. Collection method: clinical testing. Allele origin: unknown. Affected: yes. Study: The Canadian Open Genetics Repository (COGR). Not counted in ClinVar's aggregate classification.
Comment: The ALOX12B p.Phe195Leu variant was identified in 1/250 individuals with congenital ichthyosis (Eckl_2009_PMID:19131948). The variant was identified in dbSNP (ID: rs200516538) and LOVD 3.0 (variant effect not shared) but was not identified in ClinVar. The variant was identified in control databases in 71 of 282798 chromosomes at a frequency of 0.0002511 (Genome Aggregation Database March 6, 2019, v2.1.1). The variant was observed in the following populations: European (non-Finnish) in 61 of 129130 chromosomes (freq: 0.000472), Latino in 8 of 35440 chromosomes (freq: 0.000226), Other in 1 of 7222 chromosomes (freq: 0.000139) and South Asian in 1 of 30616 chromosomes (freq: 0.000033), but was not observed in the African, Ashkenazi Jewish, East Asian, or European (Finnish) populations. The p.Phe195 residue is conserved in mammals but not in more distantly related organisms however computational analyses (PolyPhen-2, SIFT, AlignGVGD, BLOSUM, MutationTaster) do not suggest a high likelihood of impact to the protein; this information is not predictive enough to rule out pathogenicity. The variant occurs outside of the splicing consensus sequence and in silico or computational prediction software programs (SpliceSiteFinder, MaxEntScan, NNSPLICE, GeneSplicer) do not predict a difference in splicing. In summary, based on the above information the clinical significance of this variant cannot be determined with certainty at this time although we would lean towards a more benign role for this variant. This variant is classified as likely benign.

Literature cited by the submitters: PubMed 19131948 (cited by Women's Health and Genetics/Laboratory Corporation of America, LabCorp).